The following is an entry in ClinVar:

NM_001002029.4(C4B):c.3285C>A (p.Gly1095=)

Gene: C4B (complement C4B (Chido/Rodgers blood group); plus strand). Cytogenetic location: 6p21.33.
Variant type: single nucleotide variant.
Coding change: c.3285C>A on transcript NM_001002029.4 (MANE Select); coding-DNA position 3285, C replaced by A.
Protein change: p.Gly1095=; no amino-acid change (glycine 1095 retained).
Molecular consequence: synonymous variant.
Genome position (GRCh38, 1-based): chr6:32,028,747, C>A. VCF-style: chr6-32028747-C-A. GRCh37 (hg19) VCF-style: chr6-31996524-C-A.
Identifiers: ClinVar variation 2688520 (VCV002688520.2), dbSNP rs406658, ClinGen allele CA3732047.

ClinVar aggregate classification (germline): Benign (1 of 4 stars; one submission).

Allele frequency attached by ClinVar (database versions not stated): gnomAD exomes 0.13843; ExAC 0.17462; gnomAD 0.19022; 1000 Genomes Project 30x 0.22220; 1000 Genomes Project 0.22424.

Submission:

Unidad de Genómica Garrahan, Hospital de Pediatría Garrahan
Classification: Benign. Last evaluated: 2024-01-24. Review status: criteria provided, single submitter. Criteria: ACMG Guidelines, 2015. Collection method: clinical testing. Allele origin: germline. Affected: no. Observed: 18 variant alleles.
Comment: This variant is classified as Benign based on local population frequency. This variant was detected in 20% of patients studied by a panel of primary immunodeficiencies. Number of patients: 18. Only high quality variants are reported.